The following is an entry in ClinVar:

ClinVar aggregate classification (germline): Pathogenic (1 of 4 stars; one submission).

Conditions:
Congenital hyperammonemia, type I. Also called: Carbamoyl phosphate synthetase 1 deficiency; Hyperammonemia due to carbamoyl phosphate synthetase 1 deficiency; CPS 1 deficiency; Carbamyl phosphate synthetase (CPS) deficiency; Carbamoyl phosphate synthetase I deficiency disease; CPS I DEFICIENCY. Identifiers: Orphanet 147, MedGen C4082171, MONDO:0009376, OMIM 237300.

Submission:

Labcorp Genetics (formerly Invitae), Labcorp
Classification: Pathogenic for Congenital hyperammonemia, type I. Last evaluated: 2021-05-08. Review status: criteria provided, single submitter. Criteria: Invitae Variant Classification Sherloc (09022015). Collection method: clinical testing. Allele origin: germline.
Comment: For these reasons, this variant has been classified as Pathogenic. This variant has not been reported in the literature in individuals with CPS1-related conditions. This variant is not present in population databases (ExAC no frequency). This sequence change creates a premature translational stop signal (p.Cys816Alafs*5) in the CPS1 gene. It is expected to result in an absent or disrupted protein product. Loss-of-function variants in CPS1 are known to be pathogenic (PMID: 21120950).

Literature cited by the submitters: PubMed 21120950.

NM_001875.5(CPS1):c.2446del (p.Cys816fs)

Gene: CPS1 (carbamoyl-phosphate synthase 1; plus strand). Cytogenetic location: 2q34.
Variant type: Deletion.
Coding change: c.2446del on transcript NM_001875.5 (MANE Select); coding-DNA position 2446, one base deleted (T; older notation c.2446delT).
Protein change: p.Cys816fs; shifts the reading frame from cysteine 816.
Molecular consequence: frameshift variant. On other transcripts: non-coding transcript variant (2).
Genome position (GRCh38, 1-based): chr2:210,612,171, T deleted. VCF-style (leftmost placement, unchanged base first): chr2-210612170-GT-G. GRCh37 (hg19) VCF-style: chr2-211476894-GT-G.
Other names: c.2446del, p.Cys816fs (NM_001122633.3, NM_001369257.1); c.2479del, p.Cys827fs (NM_001369256.1); short protein forms C827fs, C816fs.
Identifiers: ClinVar variation 1458288 (VCV001458288.6), dbSNP rs2105859077, ClinGen allele CA2573135288.